The following is an entry in ClinVar:

ClinVar aggregate classification (germline): Pathogenic (1 of 4 stars; one submission).

Submission:

GeneDx
Classification: Pathogenic. Last evaluated: 2018-06-12. Review status: criteria provided, single submitter. Criteria: GeneDx Variant Classification (06012015). Collection method: clinical testing. Allele origin: germline. Affected: yes.
Comment: The c.431_432insAlu variant in the OFD1 gene has not been reported previously as a pathogenic variant, nor as a benign variant, to our knowledge. Mobile insertion elements, including retrotransposon-mediated events such as Alu inserts, are estimated to account for 1 in 600 disease causing variants (Kazazian et al., 1999). Therefore, we interpret c.431_432insAlu as a pathogenic variant.

NM_003611.2:c.431_432insAlu

Gene: OFD1 (OFD1 centriole and centriolar satellite protein; plus strand). Cytogenetic location: Xp22.2.
Variant type: Insertion.
Identifiers: ClinVar variation 801007 (VCV000801007.1).